The following is an entry in ClinVar:

ClinVar aggregate classification (germline): Uncertain significance (1 of 4 stars; one submission).

Allele frequency attached by ClinVar (database versions not stated): 1000 Genomes Project 30x 0.00016; 1000 Genomes Project 0.00020.
gnomAD v4.1: 2 of 1,613,478 alleles (0.00012%); highest among the groups gnomAD compares: Admixed American, 0.0017%; no homozygotes.

Submission:

Labcorp Genetics (formerly Invitae), Labcorp
Classification: Uncertain significance. Last evaluated: 2023-12-22. Review status: criteria provided, single submitter. Criteria: Invitae Variant Classification Sherloc (09022015). Collection method: clinical testing. Allele origin: germline.
Comment: This sequence change replaces valine, which is neutral and non-polar, with leucine, which is neutral and non-polar, at codon 1308 of the SRCAP protein (p.Val1308Leu). This variant is present in population databases (rs199498393, gnomAD 0.003%). This variant has not been reported in the literature in individuals affected with SRCAP-related conditions. Advanced modeling of protein sequence and biophysical properties (such as structural, functional, and spatial information, amino acid conservation, physicochemical variation, residue mobility, and thermodynamic stability) performed at Invitae indicates that this missense variant is not expected to disrupt SRCAP protein function with a negative predictive value of 80%. In summary, the available evidence is currently insufficient to determine the role of this variant in disease. Therefore, it has been classified as a Variant of Uncertain Significance.

NM_006662.3(SRCAP):c.3922G>C (p.Val1308Leu)

Gene: SRCAP (Snf2 related CREBBP activator protein; plus strand). Cytogenetic location: 16p11.2.
Variant type: single nucleotide variant.
Coding change: c.3922G>C on transcript NM_006662.3 (MANE Select); coding-DNA position 3922, G replaced by C.
Protein change: p.Val1308Leu; replaces valine 1308 with leucine.
Molecular consequence: missense variant.
Genome position (GRCh38, 1-based): chr16:30,722,992, G>C. VCF-style: chr16-30722992-G-C. GRCh37 (hg19) VCF-style: chr16-30734313-G-C.
Other names: short protein forms V1308L.
Identifiers: ClinVar variation 2783193 (VCV002783193.3), dbSNP rs199498393, ClinGen allele CA8011626.